The following is an entry in ClinVar:

ClinVar aggregate classification (germline): Pathogenic (1 of 4 stars; one submission).

Conditions:
Long QT syndrome (LQTS). Identifiers: MedGen C0023976, MeSH D008133, MONDO:0002442. Disease mechanism: loss of function. Inheritance: Various modes of inheritance.

Submission:

Labcorp Genetics (formerly Invitae), Labcorp
Classification: Pathogenic for Long QT syndrome. Last evaluated: 2020-10-08. Review status: criteria provided, single submitter. Criteria: Invitae Variant Classification Sherloc (09022015). Collection method: clinical testing. Allele origin: germline.
Comment: For these reasons, this variant has been classified as Pathogenic. Loss-of-function variants in KCNQ1 are known to be pathogenic (PMID: 9323054, 19862833). This variant has not been reported in the literature in individuals with KCNQ1-related conditions. This variant is not present in population databases (ExAC no frequency). This sequence change creates a premature translational stop signal (p.Val129Serfs*108) in the KCNQ1 gene. It is expected to result in an absent or disrupted protein product.

Literature cited by the submitters: PubMed 9323054; PubMed 19862833.

NM_000218.3(KCNQ1):c.385del (p.Val129fs)

Gene: KCNQ1 (potassium voltage-gated channel subfamily Q member 1; plus strand). Cytogenetic location: 11p15.5.
Variant type: Deletion.
Coding change: c.385del on transcript NM_000218.3 (MANE Select); coding-DNA position 385, one base deleted (G; older notation c.385delG).
Protein change: p.Val129fs; shifts the reading frame from valine 129.
Molecular consequence: frameshift variant.
Genome position (GRCh38, 1-based): chr11:2,445,483, G deleted. VCF-style (leftmost placement, unchanged base first): chr11-2445482-CG-C. GRCh37 (hg19) VCF-style: chr11-2466712-CG-C.
Other names: short protein forms V129fs.
Identifiers: ClinVar variation 1075209 (VCV001075209.7), dbSNP rs2133560394, ClinGen allele CA2499220867.